The following is an entry in ClinVar:

ClinVar aggregate classification (germline): Conflicting classifications of pathogenicity. Review status: criteria provided, conflicting classifications (1 of 4 stars). 7 submissions from 3 submitters: Uncertain significance (5); Likely benign (2). Last evaluated 2026-05-21.

Conditions:
Myopathy, myofibrillar, 9, with early respiratory failure (MFM9). Also called: Myopathy, distal, with early respiratory failure, autosomal dominant; Hereditary myopathy with early respiratory failure; EDSTROM MYOPATHY; MYOPATHY, PROXIMAL, WITH EARLY RESPIRATORY MUSCLE INVOLVEMENT. Identifiers: Orphanet 178464, Orphanet 34521, MedGen C1863599, MONDO:0011362, OMIM 603689.
TTN-related disorder. Also called: TTN-related condition; TTN-related disease; TTN-related disorders.
Autosomal recessive limb-girdle muscular dystrophy type 2J (LGMDR10). Also called: MUSCULAR DYSTROPHY, LIMB-GIRDLE, AUTOSOMAL RECESSIVE 10; Limb-girdle muscular dystrophy, type 2J. Identifiers: Orphanet 140922, MedGen C1837342, MONDO:0012127, OMIM 608807.
Early-onset myopathy with fatal cardiomyopathy (CMYO5). Also called: CONGENITAL MYOPATHY 5 WITH CARDIOMYOPATHY; Salih Myopathy. Identifiers: Orphanet 289377, MedGen C2673677, MONDO:0012714, OMIM 611705. Disease mechanism: loss of function.
Tibial muscular dystrophy (TMD). Also called: UDD MYOPATHY; Udd Distal Myopathy – Tibial Muscular Dystrophy; Tibial muscular dystrophy, tardive. Identifiers: Orphanet 609, MedGen C1838244, MONDO:0010870, OMIM 600334.
Dilated cardiomyopathy 1G (CMD1G). Identifiers: Orphanet 154, MedGen C1858763, MONDO:0011400, OMIM 604145.

Allele frequency attached by ClinVar (database versions not stated): gnomAD 0.00001; gnomAD exomes 0.00002; TOPMed 0.00002; ExAC 0.00003; ESP Exome Variant Server 0.00008.

Submissions (7):

PreventionGenetics, part of Exact Sciences
Classification: Uncertain significance for TTN-related condition. Last evaluated: 2026-05-21. Review status: criteria provided, single submitter. Criteria: ACMG Guidelines, 2015. Collection method: clinical testing. Allele origin: germline.
Comment: The TTN c.18247A>G variant is predicted to result in the amino acid substitution p.Ile6083Val. To our knowledge, this variant has not been reported in the literature. This variant is reported in 0.0093% of alleles in individuals of European (Finnish) descent in gnomAD. At this time, the clinical significance of this variant is uncertain due to the absence of conclusive functional and genetic evidence.

Revvity Omics, Revvity
Classification: Uncertain significance. Last evaluated: 2019-09-11. Review status: criteria provided, single submitter. Criteria: ACMG Guidelines, 2015. Collection method: clinical testing. Allele origin: germline.

Illumina Laboratory Services, Illumina
Classification: Uncertain significance for Dilated cardiomyopathy 1G. Last evaluated: 2018-01-13. Review status: criteria provided, single submitter. Criteria: ICSL Variant Classification Criteria 13 December 2019. Collection method: clinical testing. Allele origin: germline.

Illumina Laboratory Services, Illumina
Classification: Uncertain significance for Early-onset myopathy with fatal cardiomyopathy. Last evaluated: 2018-01-13. Review status: criteria provided, single submitter. Criteria: ICSL Variant Classification Criteria 13 December 2019. Collection method: clinical testing. Allele origin: germline.

Illumina Laboratory Services, Illumina
Classification: Uncertain significance for Autosomal recessive limb-girdle muscular dystrophy type 2J. Last evaluated: 2018-01-13. Review status: criteria provided, single submitter. Criteria: ICSL Variant Classification Criteria 13 December 2019. Collection method: clinical testing. Allele origin: germline.

Illumina Laboratory Services, Illumina
Classification: Likely benign for Tibial muscular dystrophy. Last evaluated: 2018-01-13. Review status: criteria provided, single submitter. Criteria: ICSL Variant Classification Criteria 13 December 2019. Collection method: clinical testing. Allele origin: germline.
Comment: This variant was observed in the ICSL laboratory as part of a predisposition screen in an ostensibly healthy population. It had not been previously curated by ICSL or reported in the Human Gene Mutation Database (HGMD: prior to June 1st, 2018), and was therefore a candidate for classification through an automated scoring system. Utilizing variant allele frequency, disease prevalence and penetrance estimates, and inheritance mode, an automated score was calculated to assess if this variant is too frequent to cause the disease. Based on the score and internal cut-off values, a variant classified as likely benign is not then subjected to further curation. The score for this variant resulted in a classification of likely benign for this disease.

Illumina Laboratory Services, Illumina
Classification: Likely benign for Myopathy, myofibrillar, 9, with early respiratory failure. Last evaluated: 2018-01-13. Review status: criteria provided, single submitter. Criteria: ICSL Variant Classification Criteria 13 December 2019. Collection method: clinical testing. Allele origin: germline.
Comment: the same text as in the submission from Illumina Laboratory Services, Illumina above.

NM_001267550.2(TTN):c.18247A>G (p.Ile6083Val)

Genes: TTN (titin; minus strand), LOC126806430 (BRD4-independent group 4 enhancer GRCh37_chr2:179593794-179594993; plus strand). Cytogenetic location: 2q31.2.
Variant type: single nucleotide variant.
Coding change: c.18247A>G on transcript NM_001267550.2 (MANE Select); coding-DNA position 18247, A replaced by G.
Protein change: p.Ile6083Val; replaces isoleucine 6083 with valine.
Molecular consequence: missense variant. On other transcripts: intron variant (3).
Genome position (GRCh38, 1-based): chr2:178,730,153, T>C on the plus strand (A>G on the coding strand, the complement: TTN is on the minus strand). VCF-style: chr2-178730153-T-C. GRCh37 (hg19) VCF-style: chr2-179594880-T-C.
Other names: c.17296A>G, p.Ile5766Val (NM_001256850.1); c.14515A>G, p.Ile4839Val (NM_133378.4); c.13282+7929A>G (NM_003319.4); c.13858+7929A>G (NM_133437.4); c.13657+7929A>G (NM_133432.3); short protein forms I4839V, I5766V, I6083V.
Identifiers: ClinVar variation 894437 (VCV000894437.7), dbSNP rs374012753, ClinGen allele CA2001655.
Genomic context (GRCh38, chr2:178,730,153, plus strand): 5'-CTTTTACAAAGAGAGTGGCTTTGCTGGTTGCTGTGCCAACATCATTGCTTAGTTGGCAAA[T>C]GTAGGTTCCAGAATCGGTAGCTTTGGCTGCAAAGAGCTCTAGACTGGTAGAGGTGTCATC-3'
Protein context (NP_001254479.2, residues 6073-6093): AAKATDSGTY[Ile6083Val]CQLSNDVGTA